The following is an entry in ClinVar:

NM_152641.4(ARID2):c.4103dup (p.Asp1368fs)

Gene: ARID2 (AT-rich interaction domain 2; plus strand). Cytogenetic location: 12q12.
Variant type: Duplication.
Coding change: c.4103dup on transcript NM_152641.4 (MANE Select); coding-DNA position 4103, one base duplicated (A; older notation c.4103dupA).
Protein change: p.Asp1368fs; shifts the reading frame from aspartic acid 1368.
Molecular consequence: frameshift variant.
Genome position (GRCh38, 1-based): chr12:45,852,226, A duplicated. VCF-style (leftmost placement, unchanged base first): chr12-45852225-G-GA. GRCh37 (hg19) VCF-style: chr12-46246008-G-GA.
Other names: c.4103dup, p.Asp1368fs (NM_001347839.2); short protein forms D1368fs.
Identifiers: ClinVar variation 4854485 (VCV004854485.1).

ClinVar aggregate classification (germline): Pathogenic (1 of 4 stars; one submission).

Conditions:
Coffin-Siris syndrome 6. Identifiers: MedGen C4540499, MONDO:0033492, OMIM 617808.

Submission:

3billion
Classification: Pathogenic for Coffin-Siris syndrome 6. Last evaluated: 2025-06-11. Review status: criteria provided, single submitter. Criteria: ACMG Guidelines, 2015. Collection method: clinical testing. Allele origin: germline. Affected: yes.
Comment: The variant is not observed in the gnomAD v4.1.0 dataset. Predicted Consequence/Location: Frameshift: predicted to result in a loss or disruption of normal protein function through nonsense-mediated decay (NMD) or protein truncation. Multiple pathogenic variants are reported downstream of the variant. Therefore, this variant is classified as Pathogenic according to the recommendation of ACMG/AMP guideline.